The following is an entry in ClinVar:

NM_001220.5(CAMK2B):c.1456del (p.Leu486fs)

Gene: CAMK2B (calcium/calmodulin dependent protein kinase II beta; minus strand). Cytogenetic location: 7p13.
Variant type: Deletion.
Coding change: c.1456del on transcript NM_001220.5 (MANE Select); coding-DNA position 1456, one base deleted (C; older notation c.1456delC).
Protein change: p.Leu486fs; shifts the reading frame from leucine 486.
Molecular consequence: frameshift variant. On other transcripts: intron variant (8).
Genome position (GRCh38, 1-based): chr7:44,228,808, G deleted on the plus strand (C on the coding strand, the reverse complement: CAMK2B is on the minus strand); the first of 5 consecutive G bases (chr7:44,228,808-44,228,812); deleting any one gives the same sequence. VCF-style (leftmost placement, unchanged base first): chr7-44228807-AG-A. GRCh37 (hg19) VCF-style: chr7-44268406-AG-A.
Other names: c.947-7907del (NM_172084.3); c.1150+2198del (NM_172080.3); c.1036+2198del (NM_172083.3); c.1108+2198del (NM_172081.3); c.1153+2198del (NM_172079.3, NM_172082.3); c.1225+2198del (NM_001293170.2, NM_172078.3); short protein forms L486fs.
Identifiers: ClinVar variation 1359812 (VCV001359812.4), dbSNP rs1466192832, ClinGen allele CA573801765.

ClinVar aggregate classification (germline): Uncertain significance (1 of 4 stars; one submission).

Submission:

Labcorp Genetics (formerly Invitae), Labcorp
Classification: Uncertain significance. Last evaluated: 2025-11-23. Review status: criteria provided, single submitter. Criteria: Invitae Variant Classification Sherloc (09022015). Collection method: clinical testing. Allele origin: germline.
Comment: This sequence change creates a premature translational stop signal (p.Leu486Cysfs*12) in the CAMK2B gene. It is expected to result in an absent or disrupted protein product. However, the current clinical and genetic evidence is not sufficient to establish whether loss-of-function variants in CAMK2B cause disease. The frequency data for this variant in the population databases is considered unreliable, as metrics indicate poor data quality at this position in the gnomAD database. This variant has not been reported in the literature in individuals affected with CAMK2B-related conditions. ClinVar contains an entry for this variant (Variation ID: 1359812). In summary, the available evidence is currently insufficient to determine the role of this variant in disease. Therefore, it has been classified as a Variant of Uncertain Significance.